The following is an entry in ClinVar:

NM_007118.4(TRIO):c.3766-3_3766-2del

Gene: TRIO (trio Rho guanine nucleotide exchange factor; plus strand). Cytogenetic location: 5p15.2.
Variant type: Microsatellite.
Coding change: c.3766-3_3766-2del on transcript NM_007118.4 (MANE Select); 3 bases into the intron before coding-DNA position 3766 through the canonical splice acceptor site of the intron before coding-DNA position 3766, 2 bases deleted (CA; older notation c.3766-3_3766-2delCA).
Molecular consequence: splice acceptor variant.
Genome position (GRCh38, 1-based): chr5:14,387,729-14,387,730, CA deleted; deleting any 2 consecutive bases within chr5:14,387,727-14,387,730 gives the same sequence; the c. name uses the placement nearest the transcript's 3' end. VCF-style (leftmost placement, unchanged base first): chr5-14387726-CCA-C. GRCh37 (hg19) VCF-style: chr5-14387835-CCA-C.
Other names: c.3766-3_3766-2delCA (NM_007118.4).
Identifiers: ClinVar variation 3336008 (VCV003336008.1).

ClinVar aggregate classification (germline): Uncertain significance (1 of 4 stars; one submission).

Submission:

Women's Health and Genetics/Laboratory Corporation of America, LabCorp
Classification: Uncertain significance. Last evaluated: 2024-05-13. Review status: criteria provided, single submitter. Criteria: LabCorp Variant Classification Summary - May 2015. Collection method: clinical testing. Allele origin: germline.
Comment: Variant summary: TRIO c.3766-3_3766-2delCA alters non-conserved nucleotides located at an intronic splice region in intron 22. Several computational tools predict a significant impact on normal splicing: Three predict the variant weakens the canonical 3' acceptor site. One predict the variant creates a cryptic 3' acceptor site. However, these predictions have yet to be confirmed by functional studies. The variant was absent in 251348 control chromosomes. To our knowledge, no occurrence of c.3766-3_3766-2delCA in individuals affected with TRIO-Related Intellectual Disability and no experimental evidence demonstrating its impact on protein function have been reported. No submitters have cited clinical-significance assessments for this variant to ClinVar. Based on the evidence outlined above, the variant was classified as uncertain significance.